The following is an entry in ClinVar:

NM_172250.3(MMAA):c.434G>A (p.Arg145Gln)

Gene: MMAA (metabolism of cobalamin associated A; plus strand). Cytogenetic location: 4q31.21.
Variant type: single nucleotide variant.
Coding change: c.434G>A on transcript NM_172250.3 (MANE Select); coding-DNA position 434, G replaced by A.
Protein change: p.Arg145Gln; replaces arginine 145 with glutamine.
Molecular consequence: missense variant.
Genome position (GRCh38, 1-based): chr4:145,639,573, G>A. VCF-style: chr4-145639573-G-A. GRCh37 (hg19) VCF-style: chr4-146560725-G-A.
Other names: c.434G>A (NM_172250.2); c.434G>A, p.Arg145Gln (NM_001375644.1); short protein forms R145Q.
Identifiers: ClinVar variation 1073197 (VCV001073197.13), dbSNP rs200577967, ClinGen allele CA3095168.
Genomic context (GRCh38, chr4:145,639,573, plus strand): 5'-AAGTATTACTTTACCACAGAGAACAAGAACAATCAAATAAAGGAAAACCACTAGCATTTC[G>A]AGTAGGTCAGTCTTTTTTGTGTGTTTTCTCAGTAAATATTTTTACAAATTCTCTGTATTC-3'
Protein context (NP_758454.1, residues 135-155): QSNKGKPLAF[Arg145Gln]VGLSGPPGAG

ClinVar aggregate classification (germline): Pathogenic/Likely pathogenic. Review status: criteria provided, multiple submitters, no conflicts (2 of 4 stars). 5 submissions from 5 submitters: Pathogenic (2); Likely pathogenic (3). Last evaluated 2025-11-22.

Conditions:
Methylmalonic acidemia (MMA). Also called: Isolated Methylmalonic Acidemia. Identifiers: MedGen C0268583, MeSH C537358, MONDO:0002012, HP:0002912.
Methylmalonic aciduria, cblA type (MACA). Also called: Methylmalonic aciduria, vitamin b12-responsive, due to defect in synthesis of adenosylcobalamin, cbla complementation type; MMA cbl A type; Methylmalonic acidemia cblA type; Vitamin B12-responsive methylmalonic acidemia type cblA; Methylmalonic aciduria, vitamin B12-responsive. Identifiers: Orphanet 28, Orphanet 79310, MedGen C1855109, MONDO:0009613, OMIM 251100.

Allele frequency attached by ClinVar (database versions not stated): ExAC 0.00001; gnomAD 0.00001; 1000 Genomes Project 30x 0.00016; 1000 Genomes Project 0.00020; gnomAD exomes 0.00002; TOPMed 0.00002.
gnomAD v4.1: 27 of 1,607,922 alleles (0.0017%); highest among the groups gnomAD compares: African/African-American, 0.0027%; no homozygotes.

Submissions (5):

Labcorp Genetics (formerly Invitae), Labcorp
Classification: Pathogenic for Methylmalonic aciduria, cblA type. Last evaluated: 2025-11-22. Review status: criteria provided, single submitter. Criteria: Invitae Variant Classification Sherloc (09022015). Collection method: clinical testing. Allele origin: germline.
Comment: This sequence change replaces arginine, which is basic and polar, with glutamine, which is neutral and polar, at codon 145 of the MMAA protein (p.Arg145Gln). This variant is present in population databases (rs200577967, gnomAD 0.003%). This missense change has been observed in individual(s) with cobalamin A type methylmalonic aciduria (PMID: 15523652, 28497574; internal data). In at least one individual the data is consistent with being in trans (on the opposite chromosome) from a pathogenic variant. ClinVar contains an entry for this variant (Variation ID: 1073197). Invitae Evidence Modeling of protein sequence and biophysical properties (such as structural, functional, and spatial information, amino acid conservation, physicochemical variation, residue mobility, and thermodynamic stability) indicates that this missense variant is expected to disrupt MMAA protein function with a positive predictive value of 80%. Experimental studies have shown that this missense change affects MMAA function (PMID: 28497574). Algorithms developed to predict the effect of sequence changes on RNA splicing suggest that this variant may create or strengthen a splice site. For these reasons, this variant has been classified as Pathogenic.

Natera, Inc.
Classification: Likely pathogenic for Methylmalonic aciduria cblA type. Last evaluated: 2025-06-06. Review status: criteria provided, single submitter. Criteria: Natera Variant Classification Schema (03/2026). Collection method: clinical testing. Allele origin: germline.
Comment: The c.434G>A variant in MMAA is a missense variant predicted to cause substitution of arginine to glutamine at amino acid 145. This variant is rare in the general population with a frequency below the threshold expected for the associated phenotype(s). This variant has been observed in one or more individuals affected with the associated recessive disease, as either homozygous or compound heterozygous with a second variant (PMID: 28497574, 15523652). Functional studies show that this variant may disrupt protein function (PMID: 28497574). Computational prediction algorithms indicate this variant is likely to affect gene or protein function. Given the available evidence, this variant is classified as Likely Pathogenic.

Fulgent Genetics
Classification: Likely pathogenic for Methylmalonic aciduria, cblA type. Last evaluated: 2024-04-04. Review status: criteria provided, single submitter. Criteria: ACMG Guidelines, 2015. Collection method: clinical testing. Allele origin: germline.

Genomic Medicine Center of Excellence, King Faisal Specialist Hospital and Research Centre
Classification: Likely pathogenic for Methylmalonic aciduria, cblA type. Last evaluated: 2024-03-29. Review status: criteria provided, single submitter. Criteria: ACMG Guidelines, 2015. Collection method: clinical testing. Allele origin: germline.

Women's Health and Genetics/Laboratory Corporation of America, LabCorp
Classification: Pathogenic for Methylmalonic acidemia. Last evaluated: 2023-09-29. Review status: criteria provided, single submitter. Criteria: LabCorp Variant Classification Summary - May 2015. Collection method: clinical testing. Allele origin: germline.
Comment: Variant summary: MMAA c.434G>A (p.Arg145Gln) results in a conservative amino acid change in the encoded protein sequence. Four of five in-silico tools predict a damaging effect of the variant on protein function. The variant allele was found at a frequency of 1.6e-05 in 248586 control chromosomes (gnomAD and publication data). c.434G>A has been reported in the literature in individuals affected with Methylmalonic Acidemia (Lerner-Ellis_2004, Plessl_2017, Marelli_2022). These data indicate that the variant is likely to be associated with disease. At least one publication reports experimental evidence evaluating an impact on protein function and this variant results in low protein expression and instability (Plessl_2017). The following publications have been ascertained in the context of this evaluation (PMID: 17728257, 15523652, 35618652, 28497574). One submitter has cited clinical-significance assessments for this variant to ClinVar after 2014 and has classified the variant as pathogenic. Based on the evidence outlined above, the variant was classified as pathogenic.

Literature cited by the submitters: PubMed 15523652 (cited by 3 submitters); PubMed 28497574 (cited by 3 submitters); PubMed 17728257 (cited by Women's Health and Genetics/Laboratory Corporation of America, LabCorp); PubMed 35618652 (cited by Women's Health and Genetics/Laboratory Corporation of America, LabCorp).